The following is an entry in ClinVar:

ClinVar aggregate classification (germline): Uncertain significance (1 of 4 stars; one submission).

Conditions:
Multiple endocrine neoplasia, type 1 (MEN1). Also called: MEN I; WERMER SYNDROME; Endocrine adenomatosis multiple; MEN 1; MEA I. Identifiers: Orphanet 652, MedGen C0025267, MeSH D018761, MONDO:0007540, OMIM 131100.

Submission:

Labcorp Genetics (formerly Invitae), Labcorp
Classification: Uncertain significance for Multiple endocrine neoplasia, type 1. Last evaluated: 2024-08-07. Review status: criteria provided, single submitter. Criteria: Invitae Variant Classification Sherloc (09022015). Collection method: clinical testing. Allele origin: germline.
Comment: This sequence change replaces serine, which is neutral and polar, with asparagine, which is neutral and polar, at codon 219 of the MEN1 protein (p.Ser219Asn). This variant is not present in population databases (gnomAD no frequency). This variant has not been reported in the literature in individuals affected with MEN1-related conditions. An algorithm developed to predict the effect of missense changes on protein structure and function (PolyPhen-2) suggests that this variant is likely to be disruptive. In summary, the available evidence is currently insufficient to determine the role of this variant in disease. Therefore, it has been classified as a Variant of Uncertain Significance.

NM_001370259.2(MEN1):c.656G>A (p.Ser219Asn)

Gene: MEN1 (menin 1; minus strand). Cytogenetic location: 11q13.1.
Variant type: single nucleotide variant.
Coding change: c.656G>A on transcript NM_001370259.2 (MANE Select); coding-DNA position 656, G replaced by A.
Protein change: p.Ser219Asn; replaces serine 219 with asparagine.
Molecular consequence: missense variant. On other transcripts: non-coding transcript variant (4).
Genome position (GRCh38, 1-based): chr11:64,807,679, C>T on the plus strand (G>A on the coding strand, the complement: MEN1 is on the minus strand). VCF-style: chr11-64807679-C-T. GRCh37 (hg19) VCF-style: chr11-64575151-C-T.
Other names: c.656G>A, p.Ser219Asn (NM_001407144.1, NM_001407146.1, NM_001407147.1 and 7 more transcripts); c.671G>A, p.Ser224Asn (NM_001407145.1, NM_001407150.1, NM_000244.4 and 5 more transcripts); c.551G>A, p.Ser184Asn (NM_001407148.1, NM_001407149.1, NM_001407151.1 and 2 more transcripts); short protein forms S219N, S224N, S184N.
Identifiers: ClinVar variation 3661630 (VCV003661630.2).